The following is an entry in ClinVar:

NM_001368882.1(COL13A1):c.1292G>A (p.Arg431His)

Gene: COL13A1 (collagen type XIII alpha 1 chain; plus strand). Cytogenetic location: 10q22.1.
Variant type: single nucleotide variant.
Coding change: c.1292G>A on transcript NM_001368882.1 (MANE Select); coding-DNA position 1292, G replaced by A.
Protein change: p.Arg431His; replaces arginine 431 with histidine.
Molecular consequence: missense variant.
Genome position (GRCh38, 1-based): chr10:69,924,970, G>A. VCF-style: chr10-69924970-G-A. GRCh37 (hg19) VCF-style: chr10-71684726-G-A.
Other names: c.1259G>A, p.Arg420His (NM_001130103.2); c.1229G>A, p.Arg410His (NM_001320951.2, NM_001368884.1); c.1256G>A, p.Arg419His (NM_001368883.1); c.1193G>A, p.Arg398His (NM_001368885.1, NM_080801.4, NM_080802.4); c.629G>A, p.Arg210His (NM_001368886.1); c.1202G>A, p.Arg401His (NM_001368895.1, NM_080800.4); c.1088G>A, p.Arg363His (NM_001368896.1, NM_001368898.1, NM_080798.4); c.1115G>A, p.Arg372His (NM_001368897.1); and 2 more; short protein forms R210H, R363H, R398H, R410H, R431H, R372H, R401H, R420H.
Identifiers: ClinVar variation 2166452 (VCV002166452.2), dbSNP rs372794494, ClinGen allele CA5534673.
Genomic context (GRCh38, chr10:69,924,970, plus strand): 5'-GGCTCTCTGTACCAACTTTATCCCCACTTTGCTCCAATTTTGTCATGCAACAGGGGGAGC[G>A]TGGAGCAGCTGGAGAACAGGGACCAGATGGCCCCAAGGTATGTGCCTCTCCCTCCTGGAG-3'
Protein context (NP_001355811.1, residues 421-441): PPGQPGDKGE[Arg431His]GAAGEQGPDG

ClinVar aggregate classification (germline): Uncertain significance. Review status: criteria provided, multiple submitters, no conflicts (2 of 4 stars). 2 submissions from 2 submitters: Uncertain significance (2). Last evaluated 2025-04-15.

Conditions:
Inborn genetic diseases. Identifiers: MedGen C0950123, MeSH D030342.

Allele frequency attached by ClinVar (database versions not stated): TOPMed 0.00003; ExAC 0.00009; gnomAD 0.00005; gnomAD exomes 0.00005; ESP Exome Variant Server 0.00008.
gnomAD v4.1: 84 of 1,592,974 alleles (0.0053%); highest among the groups gnomAD compares: East Asian, 0.011%; no homozygotes.

Submissions (2):

Ambry Genetics
Classification: Uncertain significance for Inborn genetic diseases. Last evaluated: 2025-04-15. Review status: criteria provided, single submitter. Criteria: Ambry Variant Classification Scheme 2023. Collection method: clinical testing. Allele origin: germline.

Labcorp Genetics (formerly Invitae), Labcorp
Classification: Uncertain significance. Last evaluated: 2022-05-03. Review status: criteria provided, single submitter. Criteria: Invitae Variant Classification Sherloc (09022015). Collection method: clinical testing. Allele origin: germline.
Comment: This sequence change replaces arginine, which is basic and polar, with histidine, which is basic and polar, at codon 420 of the COL13A1 protein (p.Arg420His). This variant is present in population databases (rs372794494, gnomAD 0.01%). This variant has not been reported in the literature in individuals affected with COL13A1-related conditions. Algorithms developed to predict the effect of missense changes on protein structure and function are either unavailable or do not agree on the potential impact of this missense change (SIFT: "Tolerated"; PolyPhen-2: "Possibly Damaging"; Align-GVGD: "Class C0"). In summary, the available evidence is currently insufficient to determine the role of this variant in disease. Therefore, it has been classified as a Variant of Uncertain Significance.